The following is an entry in ClinVar:

ClinVar aggregate classification (germline): Uncertain significance. Review status: criteria provided, single submitter (1 of 4 stars). 2 submissions from 2 submitters: Uncertain significance (1). 1 of the submissions does not count toward it. Last evaluated 2022-05-21.

Conditions:
Congenital neutropenia-myelofibrosis-nephromegaly syndrome. Also called: Severe congenital neutropenia 5, autosomal recessive. Identifiers: Orphanet 369852, MedGen C3809031, MONDO:0014118, OMIM 615285.

Submissions (2):

Labcorp Genetics (formerly Invitae), Labcorp
Classification: Uncertain significance for Congenital neutropenia-myelofibrosis-nephromegaly syndrome. Last evaluated: 2022-05-21. Review status: criteria provided, single submitter. Criteria: Invitae Variant Classification Sherloc (09022015). Collection method: clinical testing. Allele origin: germline.
Comment: This sequence change replaces glutamic acid, which is acidic and polar, with glutamine, which is neutral and polar, at codon 558 of the VPS45 protein (p.Glu558Gln). This variant is not present in population databases (gnomAD no frequency). This variant has not been reported in the literature in individuals affected with VPS45-related conditions. Algorithms developed to predict the effect of missense changes on protein structure and function (SIFT, PolyPhen-2, Align-GVGD) all suggest that this variant is likely to be tolerated. In summary, the available evidence is currently insufficient to determine the role of this variant in disease. Therefore, it has been classified as a Variant of Uncertain Significance.

Natera, Inc.
Classification: Uncertain significance for Autosomal recessive severe congenital neutropenia 5. Last evaluated: 2025-01-21. Review status: no assertion criteria provided. Collection method: clinical testing. Allele origin: germline. Not counted in ClinVar's aggregate classification.

NM_007259.5(VPS45):c.1672G>C (p.Glu558Gln)

Gene: VPS45 (vacuolar protein sorting 45 homolog; plus strand). Cytogenetic location: 1q21.2.
Variant type: single nucleotide variant.
Coding change: c.1672G>C on transcript NM_007259.5 (MANE Select); coding-DNA position 1672, G replaced by C.
Protein change: p.Glu558Gln; replaces glutamic acid 558 with glutamine.
Molecular consequence: missense variant. On other transcripts: non-coding transcript variant (1).
Genome position (GRCh38, 1-based): chr1:150,144,755, G>C. VCF-style: chr1-150144755-G-C. GRCh37 (hg19) VCF-style: chr1-150116933-G-C.
Other names: c.1451G>C, p.Gly484Ala (NM_001279353.2); c.1564G>C, p.Glu522Gln (NM_001279354.2); short protein forms E522Q, G484A, E558Q.
Identifiers: ClinVar variation 1960549 (VCV001960549.3), dbSNP rs1402716774, ClinGen allele CA342256935.